The following is an entry in ClinVar:

ClinVar aggregate classification (germline): Pathogenic/Likely pathogenic. Review status: criteria provided, multiple submitters, no conflicts (2 of 4 stars). 3 submissions from 3 submitters: Pathogenic (1); Likely pathogenic (2). Last evaluated 2025-11-28.

Conditions:
CNGB1-related disorder. Also called: CNGB1-related condition.
Retinitis pigmentosa 45 (RP45). Identifiers: Orphanet 791, MedGen C3151066, MONDO:0013413, OMIM 613767.

gnomAD v4.1: 9 of 1,613,954 alleles (0.00056%); highest among the groups gnomAD compares: Middle Eastern, 0.016%; no homozygotes.

Submissions (3):

Labcorp Genetics (formerly Invitae), Labcorp
Classification: Pathogenic. Last evaluated: 2025-11-28. Review status: criteria provided, single submitter. Criteria: Invitae Variant Classification Sherloc (09022015). Collection method: clinical testing. Allele origin: germline.
Comment: This sequence change replaces arginine, which is basic and polar, with histidine, which is basic and polar, at codon 677 of the CNGB1 protein (p.Arg677His). This variant is present in population databases (rs375519490, gnomAD 0.004%). This missense change has been observed in individual(s) with retinitis pigmentosa (internal data). In at least one individual the data is consistent with being in trans (on the opposite chromosome) from a pathogenic variant. ClinVar contains an entry for this variant (Variation ID: 1516577). Invitae Evidence Modeling of protein sequence and biophysical properties (such as structural, functional, and spatial information, amino acid conservation, physicochemical variation, residue mobility, and thermodynamic stability) indicates that this missense variant is expected to disrupt CNGB1 protein function with a positive predictive value of 80%. This variant disrupts the p.Arg677 amino acid residue in CNGB1. Other variant(s) that disrupt this residue have been determined to be pathogenic (PMID: 30902645; internal data). This suggests that this residue is clinically significant, and that variants that disrupt this residue are likely to be disease-causing. For these reasons, this variant has been classified as Pathogenic.

Fulgent Genetics
Classification: Likely pathogenic for Retinitis pigmentosa 45. Last evaluated: 2023-12-28. Review status: criteria provided, single submitter. Criteria: ACMG Guidelines, 2015. Collection method: clinical testing. Allele origin: germline.

Blueprint Genetics
Classification: Likely pathogenic for CNGB1-related disorders. Last evaluated: 2019-08-30. Review status: criteria provided, single submitter. Criteria: ACMG Guidelines, 2015. Collection method: clinical testing. Allele origin: germline. Affected: yes. Observed: 5 variant alleles.

Literature cited by the submitters: PubMed 30902645 (cited by Labcorp Genetics (formerly Invitae), Labcorp).

NM_001297.5(CNGB1):c.2030G>A (p.Arg677His)

Gene: CNGB1 (cyclic nucleotide gated channel subunit beta 1; minus strand). Cytogenetic location: 16q21.
Variant type: single nucleotide variant.
Coding change: c.2030G>A on transcript NM_001297.5 (MANE Select); coding-DNA position 2030, G replaced by A.
Protein change: p.Arg677His; replaces arginine 677 with histidine.
Molecular consequence: missense variant.
Genome position (GRCh38, 1-based): chr16:57,917,404, C>T on the plus strand (G>A on the coding strand, the complement: CNGB1 is on the minus strand). VCF-style: chr16-57917404-C-T. GRCh37 (hg19) VCF-style: chr16-57951308-C-T.
Other names: c.2012G>A, p.Arg671His (NM_001286130.2); short protein forms R671H, R677H.
Identifiers: ClinVar variation 1516577 (VCV001516577.8), dbSNP rs375519490, ClinGen allele CA8083194.